The following is an entry in ClinVar:

NM_001128227.3(GNE):c.4del (p.Glu2fs)

Gene: GNE (glucosamine (UDP-N-acetyl)-2-epimerase/N-acetylmannosamine kinase; minus strand). Cytogenetic location: 9p13.3.
Variant type: Deletion.
Coding change: c.4del on transcript NM_001128227.3 (MANE Plus Clinical); coding-DNA position 4, one base deleted (G; older notation c.4delG).
Protein change: p.Glu2fs; shifts the reading frame from glutamic acid 2.
Molecular consequence: frameshift variant, initiator codon variant. On other transcripts: 5 prime UTR variant (1).
Genome position (GRCh38, 1-based): chr9:36,276,941, C deleted on the plus strand (G on the coding strand, the reverse complement: GNE is on the minus strand); the first of 2 consecutive C bases (chr9:36,276,941-36,276,942); deleting either gives the same sequence. VCF-style (leftmost placement, unchanged base first): chr9-36276940-TC-T. GRCh37 (hg19) VCF-style: chr9-36276937-TC-T.
Other names: c.-61del (NM_001190388.2); short protein forms E2fs.
Identifiers: ClinVar variation 4814612 (VCV004814612.1).

ClinVar aggregate classification (germline): Likely pathogenic (1 of 4 stars; one submission).

Conditions:
GNE myopathy (NM). Also called: INCLUSION BODY MYOPATHY, HEREDITARY, AUTOSOMAL RECESSIVE; INCLUSION BODY MYOPATHY 2, AUTOSOMAL RECESSIVE; MYOPATHY, DISTAL, WITH OR WITHOUT RIMMED VACUOLES; IBM 2; Inclusion body myopathy autosomal recessive; Inclusion body myopathy quadriceps sparing. Identifiers: Orphanet 602, MedGen C1853926, MONDO:0011603, OMIM 605820.

Submission:

Natera, Inc.
Classification: Likely pathogenic for Nonaka myopathy. Last evaluated: 2024-12-16. Review status: criteria provided, single submitter. Criteria: Natera Variant Classification Schema (03/2026). Collection method: clinical testing. Allele origin: germline.
Comment: The c.4del variant in GNE is a frameshift variant predicted to shift the reading frame beginning at codon 2 and leads to a stop codon 80 codons downstream. This variant is expected to result in nonsense mediated decay, truncation, or a dysfunctional protein product. This variant is rare in the general population with a frequency below the threshold expected for the associated phenotype(s). Given the available evidence, this variant is classified as Likely Pathogenic.